The following is an entry in ClinVar:

ClinVar aggregate classification (germline): Uncertain significance (1 of 4 stars; one submission).

Conditions:
Dilated cardiomyopathy 1AA (CMD1AA). Also called: Cardiomyopathy, dilated, 1AA, with or without LVNC; CARDIOMYOPATHY, DILATED, 1AA, WITH OR WITHOUT LEFT VENTRICULAR NONCOMPACTION; CARDIOMYOPATHY, FAMILIAL HYPERTROPHIC, 23, WITH OR WITHOUT LEFT VENTRICULAR NONCOMPACTION. Identifiers: Orphanet 154, MedGen C2677338, MONDO:0012808, OMIM 612158.
Primary familial hypertrophic cardiomyopathy (HCM). Identifiers: Orphanet 99739, MedGen C0949658, MeSH D024741, MONDO:0024573. Inheritance: Various modes of inheritance.

Submission:

Labcorp Genetics (formerly Invitae), Labcorp
Classification: Uncertain significance for Primary familial hypertrophic cardiomyopathy; Dilated cardiomyopathy 1AA. Last evaluated: 2020-03-24. Review status: criteria provided, single submitter. Criteria: Invitae Variant Classification Sherloc (09022015). Collection method: clinical testing. Allele origin: germline.
Comment: This variant is not present in population databases (ExAC no frequency). This sequence change falls in intron 14 of the ACTN2 gene. It does not directly change the encoded amino acid sequence of the ACTN2 protein, but it affects a nucleotide within the consensus splice site of the intron. This variant has not been reported in the literature in individuals with ACTN2-related conditions. In summary, the available evidence is currently insufficient to determine the role of this variant in disease. Therefore, it has been classified as a Variant of Uncertain Significance. Nucleotide substitutions within the consensus splice site are a relatively common cause of aberrant splicing (PMID: 17576681, 9536098). Algorithms developed to predict the effect of sequence changes on RNA splicing suggest that this variant is not likely to affect RNA splicing, but this prediction has not been confirmed by published transcriptional studies.

Literature cited by the submitters: PubMed 17576681; PubMed 9536098.

NM_001103.4(ACTN2):c.1656+4A>C

Gene: ACTN2 (actinin alpha 2; plus strand). Cytogenetic location: 1q43.
Variant type: single nucleotide variant.
Coding change: c.1656+4A>C on transcript NM_001103.4 (MANE Select); 4 bases into the intron after coding-DNA position 1656, A replaced by C.
Molecular consequence: intron variant.
Genome position (GRCh38, 1-based): chr1:236,749,268, A>C. VCF-style: chr1-236749268-A-C. GRCh37 (hg19) VCF-style: chr1-236912568-A-C.
Other names: c.1032+4A>C (NM_001278344.2); c.1656+4A>C (NM_001278343.2).
Identifiers: ClinVar variation 1000307 (VCV001000307.7), dbSNP rs1659326105, ClinGen allele CA2487048069.
Genomic context (GRCh38, chr1:236,749,268, plus strand): 5'-GGCGCTATGGAGGATCTGCAAGATATGTTCATTGTCCACAGCATTGAGGAGATCCAGGTA[A>C]TGGAACCGCAACTCTGTATGCCCTATGCATTAGAAGTGAGTTGTCATTTAAACTTAAGAG-3'